The following is an entry in ClinVar:

NM_024426.6(WT1):c.1109T>G (p.Ile370Ser)

Gene: WT1 (WT1 transcription factor; minus strand). Cytogenetic location: 11p13.
Variant type: single nucleotide variant.
Coding change: c.1109T>G on transcript NM_024426.6 (MANE Select); coding-DNA position 1109, T replaced by G.
Protein change: p.Ile370Ser; replaces isoleucine 370 with serine.
Molecular consequence: missense variant. On other transcripts: 5 prime UTR variant (1), non-coding transcript variant (1).
Genome position (GRCh38, 1-based): chr11:32,399,952, A>C on the plus strand (T>G on the coding strand, the complement: WT1 is on the minus strand). VCF-style: chr11-32399952-A-C. GRCh37 (hg19) VCF-style: chr11-32421498-A-C.
Other names: c.1058T>G, p.Ile353Ser (NM_000378.6, NM_001407045.1, NM_001407048.1 and 1 more transcripts); c.458T>G, p.Ile153Ser (NM_001198551.2); c.407T>G, p.Ile136Ser (NM_001198552.2); c.-80T>G (NM_001367854.1); c.1103T>G, p.Ile368Ser (NM_001407044.1); c.1109T>G, p.Ile370Ser (NM_001407046.1, NM_024424.5); c.986T>G, p.Ile329Ser (NM_001407047.1); c.935T>G, p.Ile312Ser (NM_001407050.1); and 2 more; short protein forms I153S, I353S, I370S, I136S, I116S, I329S, I368S, I348S.
Identifiers: ClinVar variation 836838 (VCV000836838.14), dbSNP rs1852096499, ClinGen allele CA379960233.

ClinVar aggregate classification (germline): Uncertain significance (1 of 4 stars; one submission).

Conditions:
Wilms tumor 1 (WT1). Also called: Wilms tumor, somatic. Identifiers: Orphanet 654, MedGen CN033288, MONDO:0008679, OMIM 194070.
11p partial monosomy syndrome (WAGR). Also called: WAGR Spectrum Disorder; WAGR syndrome; WAGR Complex; CHROMOSOME 11p13 DELETION SYNDROME. Identifiers: Orphanet 893, MedGen C0206115, MONDO:0008681, OMIM 194072.
Frasier syndrome. Identifiers: Orphanet 347, MedGen C0950122, MeSH D052159, MONDO:0007635, OMIM 136680.
Drash syndrome (DDS). Also called: NEPHROPATHY, WILMS TUMOR, AND GENITAL ANOMALIES; WILMS TUMOR AND PSEUDO- OR TRUE HERMAPHRODITISM. Identifiers: Orphanet 220, MedGen C0950121, MONDO:0008682, OMIM 194080.

Submission:

Labcorp Genetics (formerly Invitae), Labcorp
Classification: Uncertain significance for Wilms tumor 1; Drash syndrome; 11p partial monosomy syndrome; Frasier syndrome. Last evaluated: 2019-12-26. Review status: criteria provided, single submitter. Criteria: Invitae Variant Classification Sherloc (09022015). Collection method: clinical testing. Allele origin: germline.
Comment: In summary, the available evidence is currently insufficient to determine the role of this variant in disease. Therefore, it has been classified as a Variant of Uncertain Significance. Algorithms developed to predict the effect of missense changes on protein structure and function (SIFT, PolyPhen-2, Align-GVGD) all suggest that this variant is likely to be disruptive, but these predictions have not been confirmed by published functional studies and their clinical significance is uncertain. This variant has not been reported in the literature in individuals with WT1-related conditions. This variant is not present in population databases (ExAC no frequency). This sequence change replaces isoleucine with serine at codon 365 of the WT1 protein (p.Ile365Ser). The isoleucine residue is highly conserved and there is a large physicochemical difference between isoleucine and serine.